The following is an entry in ClinVar:

ClinVar aggregate classification (germline): Likely benign (0 of 4 stars; one submission).

Conditions:
ADCY3-related disorder. Also called: ADCY3-related condition.

Submission:

PreventionGenetics, part of Exact Sciences
Classification: Likely benign for ADCY3-related condition. Last evaluated: 2021-03-02. Review status: no assertion criteria provided. Collection method: clinical testing. Allele origin: germline.
Comment: This variant is classified as likely benign based on ACMG/AMP sequence variant interpretation guidelines (Richards et al. 2015 PMID: 25741868, with internal and published modifications).

NM_004036.5(ADCY3):c.102G>A (p.Arg34=)

Gene: ADCY3 (adenylate cyclase 3; minus strand). Cytogenetic location: 2p23.3.
Variant type: single nucleotide variant.
Coding change: c.102G>A on transcript NM_004036.5 (MANE Select); coding-DNA position 102, G replaced by A.
Protein change: p.Arg34=; no amino-acid change (arginine 34 retained).
Molecular consequence: synonymous variant.
Genome position (GRCh38, 1-based): chr2:24,918,886, C>T on the plus strand (G>A on the coding strand, the complement: ADCY3 is on the minus strand). VCF-style: chr2-24918886-C-T. GRCh37 (hg19) VCF-style: chr2-25141755-C-T.
Other names: c.102G>A, p.Arg34= (NM_001320613.2, NM_001377128.1, NM_001377129.1 and 2 more transcripts).
Identifiers: ClinVar variation 3358535 (VCV003358535.1).